The following is an entry in ClinVar:

NM_003998.4(NFKB1):c.2588A>G (p.Tyr863Cys)

Gene: NFKB1 (nuclear factor kappa B subunit 1; plus strand). Cytogenetic location: 4q24.
Variant type: single nucleotide variant.
Coding change: c.2588A>G on transcript NM_003998.4 (MANE Select); coding-DNA position 2588, A replaced by G.
Protein change: p.Tyr863Cys; replaces tyrosine 863 with cysteine.
Molecular consequence: missense variant.
Genome position (GRCh38, 1-based): chr4:102,612,602, A>G. VCF-style: chr4-102612602-A-G. GRCh37 (hg19) VCF-style: chr4-103533759-A-G.
Other names: c.2585A>G, p.Tyr862Cys (NM_001165412.2, NM_001319226.2, NM_001382627.1); c.2588A>G, p.Tyr863Cys (NM_001382625.1, NM_001382626.1); c.2546A>G, p.Tyr849Cys (NM_001382628.1); short protein forms Y849C, Y862C, Y863C.
Identifiers: ClinVar variation 2627526 (VCV002627526.1), dbSNP rs1728528815, ClinGen allele CA357754930.

ClinVar aggregate classification (germline): Uncertain significance (1 of 4 stars; one submission).

Conditions:
Immunodeficiency, common variable, 12 (CVID12). Also called: NFKB1 DEFICIENCY; IMMUNODEFICIENCY, COMMON VARIABLE, 12, WITH AUTOIMMUNITY. Identifiers: Orphanet 1572, Orphanet 696874, MedGen C4225277, MONDO:0014697, OMIM 616576.

Submission:

Neuberg Centre For Genomic Medicine, NCGM
Classification: Uncertain significance for Immunodeficiency, common variable, 12. Review status: criteria provided, single submitter. Criteria: ACMG Guidelines, 2015. Collection method: clinical testing. Allele origin: germline. Inheritance: Autosomal dominant inheritance. Affected: yes.
Comment: The missense variant p.Y863C in NFKB1 (NM_003998.4) has not been reported previously as a pathogenic variant nor as a benign variant, to our knowledge. The p.Y863C variant is novel (not in any individuals) in gnomAD Exomes and is novel (not in any individuals) in 1000 Genomes. The p.Y863C missense variant is predicted to be damaging by both SIFT and PolyPhen2. The tyrosine residue at codon 863 of NFKB1 is conserved in all mammalian species. The nucleotide c.2588 in NFKB1 is predicted conserved by GERP++ and PhyloP across 100 vertebrates. For these reasons, this variant has been classified as Uncertain Significance.